The following is an entry in ClinVar:

ClinVar aggregate classification (germline): Uncertain significance. Review status: criteria provided, multiple submitters, no conflicts (2 of 4 stars). 2 submissions from 2 submitters: Uncertain significance (2). Last evaluated 2025-06-24.

Conditions:
Inborn genetic diseases. Identifiers: MedGen C0950123, MeSH D030342.

Allele frequency attached by ClinVar (database versions not stated): gnomAD 0.00001.
gnomAD v4.1: 2 of 1,614,024 alleles (0.00012%); highest among the groups gnomAD compares: African/African-American, 0.0013%; no homozygotes.

Submissions (2):

Ambry Genetics
Classification: Uncertain significance for Inborn genetic diseases. Last evaluated: 2025-06-24. Review status: criteria provided, single submitter. Criteria: Ambry Variant Classification Scheme 2023. Collection method: clinical testing. Allele origin: germline.

Labcorp Genetics (formerly Invitae), Labcorp
Classification: Uncertain significance. Last evaluated: 2021-08-14. Review status: criteria provided, single submitter. Criteria: Invitae Variant Classification Sherloc (09022015). Collection method: clinical testing. Allele origin: germline.
Comment: This sequence change replaces glutamine with lysine at codon 584 of the FAT4 protein (p.Gln584Lys). The glutamine residue is highly conserved and there is a small physicochemical difference between glutamine and lysine. This variant is not present in population databases (ExAC no frequency). This variant has not been reported in the literature in individuals affected with FAT4-related conditions. Advanced modeling of protein sequence and biophysical properties (such as structural, functional, and spatial information, amino acid conservation, physicochemical variation, residue mobility, and thermodynamic stability) performed at Invitae indicates that this missense variant is not expected to disrupt FAT4 protein function. In summary, the available evidence is currently insufficient to determine the role of this variant in disease. Therefore, it has been classified as a Variant of Uncertain Significance.

NM_001291303.3(FAT4):c.1750C>A (p.Gln584Lys)

Gene: FAT4 (FAT atypical cadherin 4; plus strand). Cytogenetic location: 4q28.1.
Variant type: single nucleotide variant.
Coding change: c.1750C>A on transcript NM_001291303.3 (MANE Select); coding-DNA position 1750, C replaced by A.
Protein change: p.Gln584Lys; replaces glutamine 584 with lysine.
Molecular consequence: missense variant.
Genome position (GRCh38, 1-based): chr4:125,318,161, C>A. VCF-style: chr4-125318161-C-A. GRCh37 (hg19) VCF-style: chr4-126239316-C-A.
Other names: c.1750C>A, p.Gln584Lys (NM_001291285.3, NM_024582.6); c.1750C>A (NM_024582.4); short protein forms Q584K.
Identifiers: ClinVar variation 1937277 (VCV001937277.3), dbSNP rs1021186082, ClinGen allele CA104864368.